The following is an entry in ClinVar:

ClinVar aggregate classification (germline): Uncertain significance (1 of 4 stars; one submission).

Submission:

GeneDx
Classification: Uncertain significance. Last evaluated: 2024-12-03. Review status: criteria provided, single submitter. Criteria: GeneDx Variant Classification Process June 2021. Collection method: clinical testing. Allele origin: germline. Affected: yes.
Comment: Not observed at significant frequency in large population cohorts (gnomAD); In silico analysis supports that this missense variant has a deleterious effect on protein structure/function; Has not been previously published as pathogenic or benign to our knowledge

NM_001394998.1(TANC2):c.2582G>A (p.Arg861Lys)

Gene: TANC2 (tetratricopeptide repeat, ankyrin repeat and coiled-coil containing 2; plus strand). Cytogenetic location: 17q23.3.
Variant type: single nucleotide variant.
Coding change: c.2582G>A on transcript NM_001394998.1 (MANE Select); coding-DNA position 2582, G replaced by A.
Protein change: p.Arg861Lys; replaces arginine 861 with lysine.
Molecular consequence: missense variant.
Genome position (GRCh38, 1-based): chr17:63,355,390, G>A. VCF-style: chr17-63355390-G-A. GRCh37 (hg19) VCF-style: chr17-61432751-G-A.
Other names: c.2360G>A, p.Arg787Lys (NM_001411076.1, NM_025185.4); short protein forms R787K, R861K.
Identifiers: ClinVar variation 3901624 (VCV003901624.1).